The following is an entry in ClinVar:

NM_002340.6(LSS):c.1683G>T (p.Thr561=)

Gene: LSS (lanosterol synthase; minus strand). Cytogenetic location: 21q22.3.
Variant type: single nucleotide variant.
Coding change: c.1683G>T on transcript NM_002340.6 (MANE Select); coding-DNA position 1683, G replaced by T.
Protein change: p.Thr561=; no amino-acid change (threonine 561 retained).
Molecular consequence: synonymous variant.
Genome position (GRCh38, 1-based): chr21:46,196,255, C>A on the plus strand (G>T on the coding strand, the complement: LSS is on the minus strand). VCF-style: chr21-46196255-C-A. GRCh37 (hg19) VCF-style: chr21-47616169-C-A.
Other names: c.1683G>T, p.Thr561= (NM_001001438.3); c.1650G>T, p.Thr550= (NM_001145436.2); c.1443G>T, p.Thr481= (NM_001145437.2).
Identifiers: ClinVar variation 3027178 (VCV003027178.22), dbSNP rs767656362, ClinGen allele CA512728079.

ClinVar aggregate classification (germline): Likely benign (1 of 4 stars; one submission).

gnomAD v4.1: 8 of 1,614,112 alleles (0.0005%); highest among the groups gnomAD compares: South Asian, 0.0011%; no homozygotes.

Submission:

CeGaT Center for Human Genetics Tuebingen
Classification: Likely benign. Last evaluated: 2024-02-01. Review status: criteria provided, single submitter. Criteria: CeGaT Center For Human Genetics Tuebingen Variant Classification Criteria Version 2. Collection method: clinical testing. Allele origin: germline. Affected: yes. Observed: 1 variant allele.
Comment: LSS: PM2:Supporting, BP4, BP7